The following is an entry in ClinVar:

ClinVar aggregate classification (germline): Benign/Likely benign. Review status: criteria provided, multiple submitters, no conflicts (2 of 4 stars). 2 submissions from 2 submitters: Benign (1); Likely benign (1). Last evaluated 2026-01-27.

Conditions:
Vici syndrome (VICIS). Identifiers: Orphanet 1493, MedGen C1855772, MONDO:0009452, OMIM 242840.

Allele frequency attached by ClinVar (database versions not stated): gnomAD exomes 0.00104; ExAC 0.00138; gnomAD 0.00473 and 0.00509; 1000 Genomes Project 0.00479; ESP Exome Variant Server 0.00494; TOPMed 0.00527; 1000 Genomes Project 30x 0.00609.
gnomAD v4.1: 1,352 of 1,578,906 alleles (0.086%); highest among the groups gnomAD compares: African/African-American, 1.6%; 11 homozygotes.

Submissions (2):

Labcorp Genetics (formerly Invitae), Labcorp
Classification: Benign for Vici syndrome. Last evaluated: 2026-01-27. Review status: criteria provided, single submitter. Criteria: Invitae Variant Classification Sherloc (09022015). Collection method: clinical testing. Allele origin: germline.

GeneDx
Classification: Likely benign. Last evaluated: 2021-05-11. Review status: criteria provided, single submitter. Criteria: GeneDx Variant Classification Process June 2021. Collection method: clinical testing. Allele origin: germline. Affected: yes.
Comment: See Variant Classification Assertion Criteria.

NM_020964.3(EPG5):c.7443-14C>T

Gene: EPG5 (ectopic P-granules 5 autophagy tethering factor; minus strand). Cytogenetic location: 18q12.3.
Variant type: single nucleotide variant.
Coding change: c.7443-14C>T on transcript NM_020964.3 (MANE Select); 14 bases into the intron before coding-DNA position 7443, C replaced by T.
Molecular consequence: intron variant.
Genome position (GRCh38, 1-based): chr18:45,855,701, G>A on the plus strand (C>T on the coding strand, the complement: EPG5 is on the minus strand). VCF-style: chr18-45855701-G-A. GRCh37 (hg19) VCF-style: chr18-43435666-G-A.
Identifiers: ClinVar variation 1170633 (VCV001170633.12), dbSNP rs150647938, ClinGen allele CA8947992.